The following is an entry in ClinVar:

NM_000261.2(MYOC):c.644T>A (p.Leu215Gln)

Gene: MYOC (myocilin; minus strand). Cytogenetic location: 1q24.3.
Variant type: single nucleotide variant.
Coding change: c.644T>A on transcript NM_000261.2 (MANE Select); coding-DNA position 644, T replaced by A.
Protein change: p.Leu215Gln; replaces leucine 215 with glutamine.
Molecular consequence: missense variant.
Genome position (GRCh38, 1-based): chr1:171,638,683, A>T on the plus strand (T>A on the coding strand, the complement: MYOC is on the minus strand). VCF-style: chr1-171638683-A-T. GRCh37 (hg19) VCF-style: chr1-171607823-A-T.
Other names: NM_000261.2:c.644T>A; short protein forms L215Q.
Identifiers: ClinVar variation 2442272 (VCV002442272.2), dbSNP rs531050114, ClinGen allele CA343727064.

ClinVar aggregate classification (germline): Uncertain significance (3 of 4 stars; one submission).

Conditions:
Open-angle glaucoma. Identifiers: MedGen C0017612, MONDO:0005338, HP:0012108.

gnomAD v4.1: 2 of 1,614,164 alleles (0.00012%); highest among the groups gnomAD compares: Non-Finnish European, 0.00017%; no homozygotes.

Submission:

ClinGen Glaucoma Variant Curation Expert Panel
Classification: Uncertain significance for Open-angle glaucoma. Last evaluated: 2026-01-12. Review status: reviewed by expert panel. Criteria: ClinGen Glaucoma ACMG Specifications V2.0.0 Approved. Collection method: curation. Allele origin: germline. Inheritance: Autosomal dominant inheritance.
Comment: The c.644T>A variant in MYOC is a missense variant predicted to cause substitution of Leucine by Glutamine at amino acid 215 (p.Leu215Gln). The highest minor allele frequency of this variant was in the European (non-Finnish) genetic ancestry group of gnomAD (v4.1.0) = 0.000001695 (2 alleles out of 1,179,992), which met the ≤ 0.0001 threshold set for PM2_Supporting in a genetic ancestry group of at least 10,000 alleles. The REVEL score = 0.776, which was within the 0.773-0.931 range for PP3_Moderate, predicting a damaging effect on MYOC function. 2 probands with primary open angle glaucoma have been reported carrying this variant (PMID: 22933836), which met PS4_Supporting (≥ 2 probands). The Leu215Gln protein had similar secretion levels to wild type myocilin protein in this study (PMID: 36267417). The assay met the OddsPath threshold for BS3_Moderate (< 0.23), indicating that this variant did not impact protein function. In summary, this variant met the criteria to receive a score of 2 and to be classified as a variant of uncertain significance (uncertain significance classification range -1 to 5, adapted from PMID: 32720330) for primary open angle glaucoma based on the ACMG/AMP criteria met, as specified by the ClinGen Glaucoma VCEP (v2.0.0, 5 Dec 2024): PP3_Moderate, BS3_Moderate, PS4_Supporting, PM2_Supporting.

Literature cited by the submitters: PubMed 36267417.